The following is an entry in ClinVar:

ClinVar aggregate classification (germline): Uncertain significance (1 of 4 stars; one submission).

Conditions:
Idiopathic Pulmonary Fibrosis. Also called: Idiopathic fibrosing alveolitis, chronic form; idiopathic fibrosing alveolitis. Identifiers: Orphanet 2032, MedGen C1800706, MeSH D054990, MONDO:0800504.
Dyskeratosis congenita, autosomal dominant 2. Identifiers: MedGen C3151443, MONDO:0013521, OMIM 613989.

gnomAD v4.1: 3 of 1,614,182 alleles (0.00019%); highest among the groups gnomAD compares: South Asian, 0.0011%; no homozygotes.

Submission:

Labcorp Genetics (formerly Invitae), Labcorp
Classification: Uncertain significance for Dyskeratosis congenita, autosomal dominant 2; Idiopathic Pulmonary Fibrosis. Last evaluated: 2021-09-29. Review status: criteria provided, single submitter. Criteria: Invitae Variant Classification Sherloc (09022015). Collection method: clinical testing. Allele origin: germline.
Comment: This sequence change replaces arginine with cysteine at codon 971 of the TERT protein (p.Arg971Cys). The arginine residue is moderately conserved and there is a large physicochemical difference between arginine and cysteine. This variant is not present in population databases (ExAC no frequency). This missense change has been observed in individual(s) with chronic hypersensitivity pneumonitis (PMID: 25612863). Advanced modeling of protein sequence and biophysical properties (such as structural, functional, and spatial information, amino acid conservation, physicochemical variation, residue mobility, and thermodynamic stability) performed at Invitae indicates that this missense variant is expected to disrupt TERT protein function. In summary, the available evidence is currently insufficient to determine the role of this variant in disease. Therefore, it has been classified as a Variant of Uncertain Significance.

Literature cited by the submitters: PubMed 25612863.

NM_198253.3(TERT):c.2911C>T (p.Arg971Cys)

Gene: TERT (telomerase reverse transcriptase; minus strand). Cytogenetic location: 5p15.33.
Variant type: single nucleotide variant.
Coding change: c.2911C>T on transcript NM_198253.3 (MANE Select); coding-DNA position 2911, C replaced by T.
Protein change: p.Arg971Cys; replaces arginine 971 with cysteine.
Molecular consequence: missense variant. On other transcripts: non-coding transcript variant (2).
Genome position (GRCh38, 1-based): chr5:1,260,533, G>A on the plus strand (C>T on the coding strand, the complement: TERT is on the minus strand). VCF-style: chr5-1260533-G-A. GRCh37 (hg19) VCF-style: chr5-1260648-G-A.
Other names: c.2722C>T, p.Arg908Cys (NM_001193376.3); short protein forms R908C, R971C.
Identifiers: ClinVar variation 1433351 (VCV001433351.6), dbSNP rs2126584533, ClinGen allele CA359069988.
Genomic context (GRCh38, chr5:1,260,533, plus strand): 5'-CCTGCAAATCCAGAAACAGGCTGTGACACTTCAGCCGCAAGACCCCAAAGAGTTTGCGAC[G>A]CATGTTCCTCCCAGCCTTGAAGCCGCGGTTGAAGGTGAGACTGGCTCTGATGGAGGTCCG-3'
Protein context (NP_937983.2, residues 961-981): NRGFKAGRNM[Arg971Cys]RKLFGVLRLK